The following is an entry in ClinVar:

NM_004646.4(NPHS1):c.181_182insTT (p.Ala61fs)

Genes: KIRREL2 (kirre like nephrin family adhesion molecule 2; plus strand), NPHS1 (NPHS1 adhesion molecule, nephrin; minus strand). Cytogenetic location: 19q13.12.
Variant type: Insertion.
Coding change: c.181_182insTT on transcript NM_004646.4 (MANE Select); coding-DNA positions 181 to 182, TT inserted.
Protein change: p.Ala61fs; shifts the reading frame from alanine 61.
Molecular consequence: frameshift variant.
Genome position: GRCh38 VCF-style: chr19-35851549-G-GAA. GRCh37 (hg19) VCF-style: chr19-36342451-G-GAA.
Other names: short protein forms A61fs.
Identifiers: ClinVar variation 1724213 (VCV001724213.2), dbSNP rs2513785913, ClinGen allele CA2580096904.

ClinVar aggregate classification (germline): Likely pathogenic (1 of 4 stars; one submission).

Conditions:
Finnish congenital nephrotic syndrome (NPHS1). Also called: NEPHROTIC SYNDROME, TYPE 1. Identifiers: Orphanet 839, MedGen C0403399, MONDO:0009732, OMIM 256300.

Submission:

Myriad Genetics, Inc.
Classification: Likely pathogenic for Finnish congenital nephrotic syndrome. Last evaluated: 2022-02-02. Review status: criteria provided, single submitter. Criteria: Myriad Women's Health Autosomal Recessive and X-Linked Classification Criteria (2021). Collection method: clinical testing. Allele origin: unknown.
Comment: NM_004646.3(NPHS1):c.181_182insTT(A61Vfs*68) is expected to be pathogenic in the context of nephrotic syndrome, NPHS1-related. This variant is predicted to lead to an abnormal or absent protein product due to the creation of a premature termination codon in NPHS1, a gene where loss-of-function variants are known to be pathogenic. Please note: this variant was assessed in the context of healthy population screening.